The following is an entry in ClinVar:

ClinVar aggregate classification (germline): Uncertain significance (1 of 4 stars; one submission).

Conditions:
FOXJ1-related disorder. Also called: FOXJ1-related condition.

Submission:

PreventionGenetics, part of Exact Sciences
Classification: Uncertain significance for FOXJ1-related condition. Last evaluated: 2025-09-26. Review status: criteria provided, single submitter. Criteria: ACMG Guidelines, 2015. Collection method: clinical testing. Allele origin: germline.
Comment: The FOXJ1 c.910C>G variant is predicted to result in the amino acid substitution p.Pro304Ala. To our knowledge, this variant has not been reported in the literature or in a large population database (gnomAD), indicating this variant is rare. At this time, the clinical significance of this variant is uncertain due to the absence of conclusive functional and genetic evidence.

NM_001454.4(FOXJ1):c.910C>G (p.Pro304Ala)

Gene: FOXJ1 (forkhead box J1; minus strand). Cytogenetic location: 17q25.1.
Variant type: single nucleotide variant.
Coding change: c.910C>G on transcript NM_001454.4 (MANE Select); coding-DNA position 910, C replaced by G.
Protein change: p.Pro304Ala; replaces proline 304 with alanine.
Molecular consequence: missense variant.
Genome position (GRCh38, 1-based): chr17:76,137,709, G>C on the plus strand (C>G on the coding strand, the complement: FOXJ1 is on the minus strand). VCF-style: chr17-76137709-G-C. GRCh37 (hg19) VCF-style: chr17-74133790-G-C.
Other names: short protein forms P304A.
Identifiers: ClinVar variation 4982500 (VCV004982500.1).